The following is an entry in ClinVar:

ClinVar aggregate classification (germline): Uncertain significance (1 of 4 stars; one submission).

Submission:

GeneDx
Classification: Uncertain significance. Last evaluated: 2019-03-29. Review status: criteria provided, single submitter. Criteria: GeneDx Variant Classification Process June 2021. Collection method: clinical testing. Allele origin: germline. Affected: yes.
Comment: Not observed in large population cohorts (Lek et al., 2016); In silico analysis, which includes protein predictors and evolutionary conservation, supports a deleterious effect; Has not been previously published as pathogenic or benign to our knowledge

NM_207037.2(TCF12):c.1819A>G (p.Asn607Asp)

Gene: TCF12 (transcription factor 12; plus strand). Cytogenetic location: 15q21.3.
Variant type: single nucleotide variant.
Coding change: c.1819A>G on transcript NM_207037.2 (MANE Select); coding-DNA position 1819, A replaced by G.
Protein change: p.Asn607Asp; replaces asparagine 607 with aspartic acid.
Molecular consequence: missense variant.
Genome position (GRCh38, 1-based): chr15:57,273,103, A>G. VCF-style: chr15-57273103-A-G. GRCh37 (hg19) VCF-style: chr15-57565301-A-G.
Other names: c.1309A>G, p.Asn437Asp (NM_001306219.3); c.1039A>G, p.Asn347Asp (NM_001306220.3); c.1819A>G, p.Asn607Asp (NM_001322151.2, NM_001322159.3, NM_001322162.2 and 1 more transcripts); c.1816A>G, p.Asn606Asp (NM_001322152.2, NM_001322161.2); c.1162A>G, p.Asn388Asp (NM_001322154.2); c.1645A>G, p.Asn549Asp (NM_001322156.2); c.1747A>G, p.Asn583Asp (NM_001322157.3, NM_001322165.2, NM_003205.4 and 1 more transcripts); c.1573A>G, p.Asn525Asp (NM_001322158.2); and 2 more; short protein forms N347D, N388D, N413D, N437D, N525D, N549D, N583D, N595D.
Identifiers: ClinVar variation 1308474 (VCV001308474.2), dbSNP rs2152098148, ClinGen allele CA392592566.